The following is an entry in ClinVar:

ClinVar aggregate classification (germline): Uncertain significance (1 of 4 stars; one submission).

gnomAD v4.1: 1 of 1,614,222 alleles (0.000062%); highest among the groups gnomAD compares: Admixed American, 0.0017%; no homozygotes.

Submission:

Dasa
Classification: Uncertain significance. Last evaluated: 2026-07-25. Review status: criteria provided, single submitter. Criteria: DASA Assertion Criteria. Collection method: clinical testing. Allele origin: germline.
Comment: NM_001043352.2(TPM3):c.488T>G (p.Leu163Arg) is a missense variant that results in the substitution of leucine with arginine. This variant is rare in population databases. Computational prediction algorithms are consistent with a deleterious effect. The currently available literature and clinical evidence are not sufficient to establish a definitive association between this variant and the reported condition. Therefore, this variant is classified as a variant of uncertain significance.

NM_152263.4(TPM3):c.567-584T>G

Gene: TPM3 (tropomyosin 3; minus strand). Cytogenetic location: 1q21.3.
Variant type: single nucleotide variant.
Coding change: c.567-584T>G on transcript NM_152263.4 (MANE Select); 584 bases into the intron before coding-DNA position 567, T replaced by G.
Molecular consequence: intron variant. On other transcripts: missense variant (8), non-coding transcript variant (1).
Genome position (GRCh38, 1-based): chr1:154,172,072, A>C on the plus strand (T>G on the coding strand, the complement: TPM3 is on the minus strand). VCF-style: chr1-154172072-A-C. GRCh37 (hg19) VCF-style: chr1-154144548-A-C.
Other names: c.488T>G, p.Leu163Arg (NM_001043352.2, NM_001278189.2, NM_001278190.2 and 2 more transcripts); c.290T>G, p.Leu97Arg (NM_001278188.2); c.599T>G, p.Leu200Arg (NM_001364680.2, NM_001364682.1); c.567-584T>G (NM_001364679.2, NM_001364681.2); c.456-584T>G (NM_001043351.2, NM_001043353.2, NM_001349679.2); c.186-584T>G (NM_001278191.2); short protein forms L163R, L200R, L97R.
Identifiers: ClinVar variation 5020130 (VCV005020130.1).